The following is an entry in ClinVar:

ClinVar aggregate classification (germline): Uncertain significance. Review status: criteria provided, multiple submitters, no conflicts (2 of 4 stars). 3 submissions from 3 submitters: Uncertain significance (3). Last evaluated 2024-05-13.

Conditions:
Xanthinuria type II. Also called: Xanthine dehydrogenase and aldehyde oxidase combined deficiency of; XDH and AOX dual deficiency. Identifiers: Orphanet 3467, Orphanet 93602, MedGen C1863688, MONDO:0011346, OMIM 603592.
Hereditary xanthinuria type 1 (XAN1). Identifiers: Orphanet 3467, Orphanet 93601, MedGen C0268118, MONDO:0010209, OMIM 278300.

Allele frequency attached by ClinVar (database versions not stated): gnomAD 0.00005; TOPMed 0.00005; ExAC 0.00015.
gnomAD v4.1: 99 of 1,613,940 alleles (0.0061%); highest among the groups gnomAD compares: Middle Eastern, 0.033%; no homozygotes.

Submissions (3):

Labcorp Genetics (formerly Invitae), Labcorp
Classification: Uncertain significance for Xanthinuria type II. Last evaluated: 2024-05-13. Review status: criteria provided, single submitter. Criteria: Invitae Variant Classification Sherloc (09022015). Collection method: clinical testing. Allele origin: germline.
Comment: This sequence change replaces glutamic acid, which is acidic and polar, with lysine, which is basic and polar, at codon 1217 of the XDH protein (p.Glu1217Lys). This variant is present in population databases (rs202023189, gnomAD 0.02%). This variant has not been reported in the literature in individuals affected with XDH-related conditions. ClinVar contains an entry for this variant (Variation ID: 960670). An algorithm developed to predict the effect of missense changes on protein structure and function (PolyPhen-2) suggests that this variant is likely to be tolerated. In summary, the available evidence is currently insufficient to determine the role of this variant in disease. Therefore, it has been classified as a Variant of Uncertain Significance.

Fulgent Genetics
Classification: Uncertain significance for Hereditary xanthinuria type 1. Last evaluated: 2022-01-18. Review status: criteria provided, single submitter. Criteria: ACMG Guidelines, 2015. Collection method: clinical testing. Allele origin: unknown.

Department of Pathology and Laboratory Medicine, Sinai Health System
Classification: Uncertain significance for Hereditary xanthinuria type 1. Last evaluated: 2021-08-09. Review status: criteria provided, single submitter. Criteria: ACMG Guidelines, 2015. Collection method: research. Allele origin: germline.

NM_000379.4(XDH):c.3649G>A (p.Glu1217Lys)

Gene: XDH (xanthine dehydrogenase; minus strand). Cytogenetic location: 2p23.1.
Variant type: single nucleotide variant.
Coding change: c.3649G>A on transcript NM_000379.4 (MANE Select); coding-DNA position 3649, G replaced by A.
Protein change: p.Glu1217Lys; replaces glutamic acid 1217 with lysine.
Molecular consequence: missense variant.
Genome position (GRCh38, 1-based): chr2:31,339,614, C>T on the plus strand (G>A on the coding strand, the complement: XDH is on the minus strand). VCF-style: chr2-31339614-C-T. GRCh37 (hg19) VCF-style: chr2-31562480-C-T.
Other names: short protein forms E1217K.
Identifiers: ClinVar variation 960670 (VCV000960670.11), dbSNP rs202023189, ClinGen allele CA1598305.